The following is an entry in ClinVar:

ClinVar aggregate classification (germline): Uncertain significance (1 of 4 stars; one submission).

Submission:

Labcorp Genetics (formerly Invitae), Labcorp
Classification: Uncertain significance. Last evaluated: 2025-11-12. Review status: criteria provided, single submitter. Criteria: Invitae Variant Classification Sherloc (09022015). Collection method: clinical testing. Allele origin: germline.
Comment: This sequence change falls in intron 5 of the CACNA1D gene. It does not directly change the encoded amino acid sequence of the CACNA1D protein. It affects a nucleotide within the consensus splice site. This variant is not present in population databases (gnomAD no frequency). This variant has not been reported in the literature in individuals affected with CACNA1D-related conditions. Variants that disrupt the consensus splice site are a relatively common cause of aberrant splicing (PMID: 17576681, 9536098). Algorithms developed to predict the effect of sequence changes on RNA splicing suggest that this variant may disrupt the consensus splice site. In summary, the available evidence is currently insufficient to determine the role of this variant in disease. Therefore, it has been classified as a Variant of Uncertain Significance.

Literature cited by the submitters: PubMed 17576681; PubMed 9536098.

NM_001128840.3(CACNA1D):c.766+3A>T

Gene: CACNA1D (calcium voltage-gated channel subunit alpha1 D; plus strand). Cytogenetic location: 3p21.1.
Variant type: single nucleotide variant.
Coding change: c.766+3A>T on transcript NM_001128840.3 (MANE Select); 3 bases into the intron after coding-DNA position 766, A replaced by T.
Molecular consequence: intron variant.
Genome position (GRCh38, 1-based): chr3:53,660,278, A>T. VCF-style: chr3-53660278-A-T. GRCh37 (hg19) VCF-style: chr3-53694305-A-T.
Other names: c.766+3A>T (NM_001128839.3, NM_000720.4).
Identifiers: ClinVar variation 4731102 (VCV004731102.1).